The following is an entry in ClinVar:

NM_005751.5(AKAP9):c.674T>C (p.Met225Thr)

Gene: AKAP9 (A-kinase anchoring protein 9; plus strand). Cytogenetic location: 7q21.2.
Variant type: single nucleotide variant.
Coding change: c.674T>C on transcript NM_005751.5 (MANE Select); coding-DNA position 674, T replaced by C.
Protein change: p.Met225Thr; replaces methionine 225 with threonine.
Molecular consequence: missense variant.
Genome position (GRCh38, 1-based): chr7:91,994,718, T>C. VCF-style: chr7-91994718-T-C. GRCh37 (hg19) VCF-style: chr7-91624032-T-C.
Other names: c.674T>C, p.Met225Thr (NM_147185.3); short protein forms M225T.
Identifiers: ClinVar variation 519322 (VCV000519322.16), dbSNP rs143717354, ClinGen allele CA4335879.
Genomic context (GRCh38, chr7:91,994,718, plus strand): 5'-GCATTATAACCCAGCTCACTGCTAATTTACAACAAGCAAGAAGAGAAAAGGATGAGACAA[T>C]GAGAGAATTTTTAGAGTTGACAGAACAGAGTCAAAAATTACAGATTCAATTTCAGCAAGT-3'
Protein context (NP_005742.4, residues 215-235): QQARREKDET[Met225Thr]REFLELTEQS

ClinVar aggregate classification (germline): Conflicting classifications of pathogenicity. Review status: criteria provided, conflicting classifications (1 of 4 stars). 4 submissions from 4 submitters: Uncertain significance (2); Benign (1); Likely benign (1). Last evaluated 2026-09-17.

Conditions:
Long QT syndrome (LQTS). Identifiers: MedGen C0023976, MeSH D008133, MONDO:0002442. Disease mechanism: loss of function. Inheritance: Various modes of inheritance.
AKAP9-related disorder. Also called: AKAP9-related condition.
Long QT syndrome 11 (LQT11). Identifiers: Orphanet 101016, Orphanet 768, MedGen C2678483, MONDO:0012738, OMIM 611820.
Cardiovascular phenotype. Identifiers: MedGen CN230736.

Allele frequency attached by ClinVar (database versions not stated): gnomAD exomes 0.00003 and 0.00007; ExAC 0.00006; ESP Exome Variant Server 0.00031; gnomAD 0.00040 and 0.00046; TOPMed 0.00040.
gnomAD v4.1: 110 of 1,613,266 alleles (0.0068%); highest among the groups gnomAD compares: African/African-American, 0.13%; no homozygotes.

Submissions (4):

PreventionGenetics, part of Exact Sciences
Classification: Likely benign for AKAP9-related condition. Last evaluated: 2026-09-17. Review status: criteria provided, single submitter. Criteria: ACMG Guidelines, 2015. Collection method: clinical testing. Allele origin: germline.
Comment: This variant is classified as likely benign based on ACMG/AMP sequence variant interpretation guidelines (Richards et al. 2015 PMID: 25741868, with internal and published modifications).

Labcorp Genetics (formerly Invitae), Labcorp
Classification: Uncertain significance for Long QT syndrome. Last evaluated: 2026-01-12. Review status: criteria provided, single submitter. Criteria: Invitae Variant Classification Sherloc (09022015). Collection method: clinical testing. Allele origin: germline.
Comment: This sequence change replaces methionine, which is neutral and non-polar, with threonine, which is neutral and polar, at codon 225 of the AKAP9 protein (p.Met225Thr). This variant is present in population databases (rs143717354, gnomAD 0.08%), and has an allele count higher than expected for a pathogenic variant. This variant has not been reported in the literature in individuals affected with AKAP9-related conditions. ClinVar contains an entry for this variant (Variation ID: 519322). An algorithm developed to predict the effect of missense changes on protein structure and function (PolyPhen-2) suggests that this variant is likely to be tolerated. In summary, the available evidence is currently insufficient to determine the role of this variant in disease. Therefore, it has been classified as a Variant of Uncertain Significance.

Ambry Genetics
Classification: Benign for Cardiovascular phenotype. Last evaluated: 2024-03-29. Review status: criteria provided, single submitter. Criteria: Ambry Variant Classification Scheme 2023. Collection method: clinical testing. Allele origin: germline.

Fulgent Genetics
Classification: Uncertain significance for Long QT syndrome 11. Last evaluated: 2021-07-28. Review status: criteria provided, single submitter. Criteria: ACMG Guidelines, 2015. Collection method: clinical testing. Allele origin: unknown.